The following is an entry in ClinVar:

ClinVar aggregate classification (germline): Uncertain significance (1 of 4 stars; one submission).

Submission:

GeneDx
Classification: Uncertain significance. Last evaluated: 2025-08-06. Review status: criteria provided, single submitter. Criteria: GeneDx Variant Classification Process June 2021. Collection method: clinical testing. Allele origin: germline. Affected: yes.
Comment: Not observed at significant frequency in large population cohorts (gnomAD); In silico analysis supports that this missense variant has a deleterious effect on protein structure/function; Has not been previously published as pathogenic or benign to our knowledge

NM_001127222.2(CACNA1A):c.1562C>A (p.Ala521Glu)

Gene: CACNA1A (calcium voltage-gated channel subunit alpha1 A; minus strand). Cytogenetic location: 19p13.13.
Variant type: single nucleotide variant.
Coding change: c.1562C>A on transcript NM_001127222.2 (MANE Select); coding-DNA position 1562, C replaced by A.
Protein change: p.Ala521Glu; replaces alanine 521 with glutamic acid.
Molecular consequence: missense variant.
Genome position (GRCh38, 1-based): chr19:13,312,775, G>T on the plus strand (C>A on the coding strand, the complement: CACNA1A is on the minus strand). VCF-style: chr19-13312775-G-T. GRCh37 (hg19) VCF-style: chr19-13423589-G-T.
Other names: c.1565C>A, p.Ala522Glu (NM_001127221.2, NM_001174080.2, NM_023035.3 and 1 more transcripts); short protein forms A521E, A522E.
Identifiers: ClinVar variation 4755598 (VCV004755598.1).
Genomic context (GRCh38, chr19:13,312,775, plus strand): 5'-CCAAGCCCGTACATTTTTATAAACATTTCGGACATAAAGAGTCCTAAGAAAATGAATTCT[G>T]CATAGTCTAGAAGGGAGAAGGAGGAAACAGAGAGGAGGTTAGGCTTGCTGAGGGTAGGGG-3'
Protein context (NP_001120694.1, residues 511-531): PEWLSDFLYY[Ala521Glu]EFIFLGLFMS